The following is an entry in ClinVar:

NM_004082.5(DCTN1):c.394C>T (p.Arg132Trp)

Gene: DCTN1 (dynactin subunit 1; minus strand). Cytogenetic location: 2p13.1.
Variant type: single nucleotide variant.
Coding change: c.394C>T on transcript NM_004082.5 (MANE Select); coding-DNA position 394, C replaced by T.
Protein change: p.Arg132Trp; replaces arginine 132 with tryptophan.
Molecular consequence: missense variant. On other transcripts: intron variant (3).
Genome position (GRCh38, 1-based): chr2:74,376,762, G>A on the plus strand (C>T on the coding strand, the complement: DCTN1 is on the minus strand). VCF-style: chr2-74376762-G-A. GRCh37 (hg19) VCF-style: chr2-74603889-G-A.
Other names: c.343C>T, p.Arg115Trp (NM_001378991.1, NM_001378992.1); c.342+670C>T (NM_001190836.2); c.393+670C>T (NM_001135040.3, NM_001190837.2); short protein forms R115W, R132W.
Identifiers: ClinVar variation 1736409 (VCV001736409.6), dbSNP rs755003098, ClinGen allele CA1722491.
Genomic context (GRCh38, chr2:74,376,762, plus strand): 5'-TGGCCCCCATCCACCCAGGCACAAATAGTAAACACACCACCTTCTTAGGCTTCAGTCCCC[G>A]CTGCATGAGGAGTAGGAAAGGGCAGAGTTAGAGAACAGATGTCCTGGGCATAGGTGTTAA-3'
Protein context (NP_004073.2, residues 122-142): TDTTAKTSKL[Arg132Trp]GLKPKKAPTA

ClinVar aggregate classification (germline): Uncertain significance. Review status: criteria provided, multiple submitters, no conflicts (2 of 4 stars). 2 submissions from 2 submitters: Uncertain significance (2). Last evaluated 2025-05-01.

Conditions:
Amyotrophic lateral sclerosis type 1 (ALS1). Also called: AMYOTROPHIC LATERAL SCLEROSIS 1, FAMILIAL. Identifiers: Orphanet 803, MedGen C1862939, MONDO:0007103, OMIM 105400.
Neuronopathy, distal hereditary motor, type 7B. Also called: NEURONOPATHY, DISTAL HEREDITARY MOTOR, AUTOSOMAL DOMINANT 14; NEURONOPATHY, DISTAL HEREDITARY MOTOR, HARDING TYPE VIIB; NEUROPATHY, DISTAL HEREDITARY MOTOR, HARDING TYPE VIIB; HMN VIIB; LOWER MOTOR NEURON DISEASE, DYNACTIN TYPE; NEUROPATHY, DISTAL HEREDITARY MOTOR, WITH VOCAL CORD PARALYSIS, HARDING TYPE VIIB. Identifiers: Orphanet 139589, MedGen C1843315, MONDO:0011879, OMIM 607641.
Perry syndrome. Also called: PARKINSONISM WITH ALVEOLAR HYPOVENTILATION AND MENTAL DEPRESSION. Identifiers: Orphanet 178509, MedGen C1868594, MONDO:0008201, OMIM 168605.
Inborn genetic diseases. Identifiers: MedGen C0950123, MeSH D030342.

Allele frequency attached by ClinVar (database versions not stated): gnomAD exomes below 0.00001; gnomAD 0.00001; TOPMed 0.00001; ExAC 0.00003.
gnomAD v4.1: 4 of 1,604,004 alleles (0.00025%); highest among the groups gnomAD compares: Non-Finnish European, 0.00034%; no homozygotes.

Submissions (2):

Ambry Genetics
Classification: Uncertain significance for Inborn genetic diseases. Last evaluated: 2025-05-01. Review status: criteria provided, single submitter. Criteria: Ambry Variant Classification Scheme 2023. Collection method: clinical testing. Allele origin: germline.

Labcorp Genetics (formerly Invitae), Labcorp
Classification: Uncertain significance for Amyotrophic lateral sclerosis type 1; Neuronopathy, distal hereditary motor, type 7B; Perry syndrome. Last evaluated: 2024-01-19. Review status: criteria provided, single submitter. Criteria: Invitae Variant Classification Sherloc (09022015). Collection method: clinical testing. Allele origin: germline.
Comment: This sequence change replaces arginine, which is basic and polar, with tryptophan, which is neutral and slightly polar, at codon 132 of the DCTN1 protein (p.Arg132Trp). The frequency data for this variant in the population databases is considered unreliable, as metrics indicate poor data quality at this position in the gnomAD database. This variant has not been reported in the literature in individuals affected with DCTN1-related conditions. ClinVar contains an entry for this variant (Variation ID: 1736409). An algorithm developed to predict the effect of missense changes on protein structure and function (PolyPhen-2) suggests that this variant is likely to be tolerated. In summary, the available evidence is currently insufficient to determine the role of this variant in disease. Therefore, it has been classified as a Variant of Uncertain Significance.